The following is an entry in ClinVar:

ClinVar aggregate classification (germline): Uncertain significance (1 of 4 stars; one submission).

Conditions:
Primary ciliary dyskinesia 28. Also called: CILIARY DYSKINESIA, PRIMARY, 28, WITH OR WITHOUT SITUS INVERSUS. Identifiers: Orphanet 244, MedGen C3809706, MONDO:0014216, OMIM 615505.

Allele frequency attached by ClinVar (database versions not stated): gnomAD exomes below 0.00001.
gnomAD v4.1: 2 of 1,548,512 alleles (0.00013%); highest among the groups gnomAD compares: Non-Finnish European, 0.00017%; no homozygotes.

Submission:

Labcorp Genetics (formerly Invitae), Labcorp
Classification: Uncertain significance for Primary ciliary dyskinesia 28. Last evaluated: 2022-12-06. Review status: criteria provided, single submitter. Criteria: Invitae Variant Classification Sherloc (09022015). Collection method: clinical testing. Allele origin: germline.
Comment: This variant is present in population databases (no rsID available, gnomAD 0.001%). This sequence change replaces aspartic acid, which is acidic and polar, with asparagine, which is neutral and polar, at codon 174 of the SPAG1 protein (p.Asp174Asn). In summary, the available evidence is currently insufficient to determine the role of this variant in disease. Therefore, it has been classified as a Variant of Uncertain Significance. Advanced modeling of protein sequence and biophysical properties (such as structural, functional, and spatial information, amino acid conservation, physicochemical variation, residue mobility, and thermodynamic stability) performed at Invitae indicates that this missense variant is expected to disrupt SPAG1 protein function. ClinVar contains an entry for this variant (Variation ID: 572754). This variant has not been reported in the literature in individuals affected with SPAG1-related conditions.

NM_003114.5(SPAG1):c.520G>A (p.Asp174Asn)

Gene: SPAG1 (sperm associated antigen 1; plus strand). Cytogenetic location: 8q22.2.
Variant type: single nucleotide variant.
Coding change: c.520G>A on transcript NM_003114.5 (MANE Select); coding-DNA position 520, G replaced by A.
Protein change: p.Asp174Asn; replaces aspartic acid 174 with asparagine.
Molecular consequence: missense variant.
Genome position (GRCh38, 1-based): chr8:100,183,987, G>A. VCF-style: chr8-100183987-G-A. GRCh37 (hg19) VCF-style: chr8-101196215-G-A.
Other names: c.520G>A, p.Asp174Asn (NM_001374321.1, NM_172218.3); short protein forms D174N.
Identifiers: ClinVar variation 572754 (VCV000572754.8), dbSNP rs1277584118, ClinGen allele CA371802001.
Genomic context (GRCh38, chr8:100,183,987, plus strand): 5'-TTTTGGTTTTTATTGTTCTTTCATTTAAGATTTGACGTGGAGAAGGAATGTTTAAAAATT[G>A]ATGAAGATTACAAAGAAAAGACGGTAATAGACAAGTCACACTTGTCTAAAATTGAGACAA-3'
Protein context (NP_003105.2, residues 164-184): FDVEKECLKI[Asp174Asn]EDYKEKTVID